The following is an entry in ClinVar:

NM_000540.3(RYR1):c.9811G>C (p.Glu3271Gln)

Gene: RYR1 (ryanodine receptor 1; plus strand). Cytogenetic location: 19q13.2.
Variant type: single nucleotide variant.
Coding change: c.9811G>C on transcript NM_000540.3 (MANE Select); coding-DNA position 9811, G replaced by C.
Protein change: p.Glu3271Gln; replaces glutamic acid 3271 with glutamine.
Molecular consequence: missense variant.
Genome position (GRCh38, 1-based): chr19:38,517,484, G>C. VCF-style: chr19-38517484-G-C. GRCh37 (hg19) VCF-style: chr19-39008124-G-C.
Other names: c.9811G>C, p.Glu3271Gln (NM_001042723.2); short protein forms E3271Q.
Identifiers: ClinVar variation 3070670 (VCV003070670.1), dbSNP rs773026490, ClinGen allele CA405692124.

ClinVar aggregate classification (germline): Uncertain significance (1 of 4 stars; one submission).

Conditions:
Malignant hyperthermia, susceptibility to, 1 (MHS1). Also called: Anesthesia related hyperthermia; Malignant hyperpyrexia; Fulminating hyperpyrexia; Pharmacogenic myopathy; RYR1-Related Malignant Hyperthermia Susceptibility; Malignant hyperthermia suceptibility 1. Identifiers: Orphanet 423, MedGen C2930980, MONDO:0007783, OMIM 145600.

Submission:

All of Us Research Program, National Institutes of Health
Classification: Uncertain significance for Malignant hyperthermia, susceptibility to, 1. Last evaluated: 2023-05-04. Review status: criteria provided, single submitter. Criteria: ACMG Guidelines, 2015. Collection method: clinical testing. Allele origin: germline. Inheritance: Autosomal dominant inheritance. Observed: 1 variant allele, 1 heterozygote.
Comment: This missense variant replaces glutamic acid with glutamine at codon 3271 of the RYR1 protein. Computational prediction suggests that this variant may have deleterious impact on protein structure and function (internally defined REVEL score threshold >= 0.7, PMID: 27666373). To our knowledge, functional studies have not been reported for this variant. This variant has not been reported in individuals affected with RYR1-related disorders in the literature. This variant has not been identified in the general population by the Genome Aggregation Database (gnomAD). The available evidence is insufficient to determine the role of this variant in disease conclusively. Therefore, this variant is classified as a Variant of Uncertain Significance.

This study involves interpretation of variants in research participants for the purpose of population health screening. Participant phenotype was not available at the time of variant classification. Additional details can be found in publication PMID: 35346344, PMCID: PMC8962531